The following is an entry in ClinVar:

ClinVar aggregate classification (germline): Benign. Review status: criteria provided, multiple submitters, no conflicts (2 of 4 stars). 2 submissions from 2 submitters: Benign (2). Last evaluated 2018-06-19.

Allele frequency attached by ClinVar (database versions not stated): TOPMed 0.02617; ESP Exome Variant Server 0.02929; 1000 Genomes Project 30x 0.02967; gnomAD 0.03143 and 0.03208; 1000 Genomes Project 0.03175; gnomAD exomes 0.03690 and 0.04089; ExAC 0.03747.
gnomAD v4.1: 54,024 of 1,358,974 alleles (4%); highest among the groups gnomAD compares: East Asian, 4.7%; 1,258 homozygotes.

Submissions (2):

GeneDx
Classification: Benign. Last evaluated: 2018-06-19. Review status: criteria provided, single submitter. Criteria: GeneDx Variant Classification (06012015). Collection method: clinical testing. Allele origin: germline. Affected: yes.
Comment: This variant is considered likely benign or benign based on one or more of the following criteria: it is a conservative change, it occurs at a poorly conserved position in the protein, it is predicted to be benign by multiple in silico algorithms, and/or has population frequency not consistent with disease.

Breakthrough Genomics
Classification: Benign. Review status: criteria provided, single submitter. Criteria: ACMG Guidelines, 2015. Collection method: not provided. Allele origin: germline. Inheritance: Autosomal recessive inheritance. Affected: yes.

NM_152906.7(TANGO2):c.145+50G>C

Gene: TANGO2 (transport and golgi organization 2 homolog; plus strand). Cytogenetic location: 22q11.21.
Variant type: single nucleotide variant.
Coding change: c.145+50G>C on transcript NM_152906.7 (MANE Select); 50 bases into the intron after coding-DNA position 145, G replaced by C.
Molecular consequence: intron variant.
Genome position (GRCh38, 1-based): chr22:20,043,493, G>C. VCF-style: chr22-20043493-G-C. GRCh37 (hg19) VCF-style: chr22-20031016-G-C.
Other names: c.145+50G>C (NM_001283106.3, NM_001322163.2, NM_001283179.3 and 10 more transcripts); c.-35+50G>C (NM_001322174.2, NM_001322172.2, NM_001322160.2 and 9 more transcripts); c.268+50G>C (NM_001322143.2, NM_001322145.2, NM_001322141.2 and 5 more transcripts).
Identifiers: ClinVar variation 672144 (VCV000672144.2), dbSNP rs45548038, ClinGen allele CA10106218.